The following is an entry in ClinVar:

ClinVar aggregate classification (germline): Uncertain significance (1 of 4 stars; one submission).

Conditions:
Inborn genetic diseases. Identifiers: MedGen C0950123, MeSH D030342.

Submission:

Ambry Genetics
Classification: Uncertain significance for Inborn genetic diseases. Last evaluated: 2025-09-20. Review status: criteria provided, single submitter. Criteria: Ambry Variant Classification Scheme 2023. Collection method: clinical testing. Allele origin: germline.
Comment: The p.Q312R variant (also known as c.935A>G), located in coding exon 1 of the SAMD9 gene, results from an A to G substitution at nucleotide position 935. The glutamine at codon 312 is replaced by arginine, an amino acid with highly similar properties. This amino acid position is conserved. In addition, this alteration is predicted to be tolerated by in silico analysis. Based on the available evidence, the clinical significance of this variant remains unclear.

NM_017654.4(SAMD9):c.935A>G (p.Gln312Arg)

Gene: SAMD9 (sterile alpha motif domain containing 9; minus strand). Cytogenetic location: 7q21.2.
Variant type: single nucleotide variant.
Coding change: c.935A>G on transcript NM_017654.4 (MANE Select); coding-DNA position 935, A replaced by G.
Protein change: p.Gln312Arg; replaces glutamine 312 with arginine.
Molecular consequence: missense variant.
Genome position (GRCh38, 1-based): chr7:93,105,163, T>C on the plus strand (A>G on the coding strand, the complement: SAMD9 is on the minus strand). VCF-style: chr7-93105163-T-C. GRCh37 (hg19) VCF-style: chr7-92734476-T-C.
Other names: c.935A>G, p.Gln312Arg (NM_001193307.2); short protein forms Q312R.
Identifiers: ClinVar variation 4629809 (VCV004629809.1).